The following is an entry in ClinVar:

ClinVar aggregate classification (germline): Uncertain significance (1 of 4 stars; one submission).

Conditions:
Severe combined immunodeficiency due to DNA-PKcs deficiency. Also called: IMMUNODEFICIENCY 26 WITH NEUROLOGIC ABNORMALITIES; Immunodeficiency 26 with or without neurologic abnormalities. Identifiers: Orphanet 317425, MedGen C4014833, MONDO:0014423, OMIM 615966.

Submission:

Labcorp Genetics (formerly Invitae), Labcorp
Classification: Uncertain significance for Severe combined immunodeficiency due to DNA-PKcs deficiency. Last evaluated: 2020-09-15. Review status: criteria provided, single submitter. Criteria: Invitae Variant Classification Sherloc (09022015). Collection method: clinical testing. Allele origin: germline.
Comment: This variant results in a copy number gain of the genomic region encompassing exon(s) 71-86 of the PRKDC gene. The 5' boundary is likely confined to intron 70. The 3' end of this event is unknown as it extends beyond the assayed region for this gene and therefore may encompass additional genes. As the precise location of this event is unknown, it may be in tandem or it may be located elsewhere in the genome. This variant has not been reported in the literature in individuals with PRKDC-related conditions. Experimental studies and prediction algorithms are not available or were not evaluated, and the functional significance of this variant is currently unknown. In summary, the available evidence is currently insufficient to determine the role of this variant in disease. Therefore, it has been classified as a Variant of Uncertain Significance.

NC_000008.10:g.(?_48686714)_(48713567_?)dup

Gene: PRKDC (protein kinase, DNA-activated, catalytic subunit; minus strand). Cytogenetic location: 8q11.21.
Variant type: Duplication.
Identifiers: ClinVar variation 1040781 (VCV001040781.4).